The following is an entry in ClinVar:

NM_004380.3(CREBBP):c.4334T>C (p.Leu1445Pro)

Gene: CREBBP (CREB binding lysine acetyltransferase; minus strand). Cytogenetic location: 16p13.3.
Variant type: single nucleotide variant.
Coding change: c.4334T>C on transcript NM_004380.3 (MANE Select); coding-DNA position 4334, T replaced by C.
Protein change: p.Leu1445Pro; replaces leucine 1445 with proline.
Molecular consequence: missense variant.
Genome position (GRCh38, 1-based): chr16:3,738,619, A>G on the plus strand (T>C on the coding strand, the complement: CREBBP is on the minus strand). VCF-style: chr16-3738619-A-G. GRCh37 (hg19) VCF-style: chr16-3788620-A-G.
Other names: c.4220T>C, p.Leu1407Pro (NM_001079846.1); short protein forms L1407P, L1445P.
Identifiers: ClinVar variation 4855300 (VCV004855300.1).
Genomic context (GRCh38, chr16:3,738,619, plus strand): 5'-CCTAATTTCTTCACATACTCTAAATATCCAATAAGGATCTCATGGTAAACGGCTGTGCGG[A>G]GGCAACGTGGCCGGAAGAAATGAATACTATCCAGATAAGAAATGTACACACGCCTGTGGG-3'
Protein context (NP_004371.2, residues 1435-1455): DSIHFFRPRC[Leu1445Pro]RTAVYHEILI

ClinVar aggregate classification (germline): Uncertain significance (1 of 4 stars; one submission).

Conditions:
Rubinstein-Taybi syndrome due to CREBBP mutations (RSTS1). Also called: RUBINSTEIN-TAYBI SYNDROME 1, INCOMPLETE; RUBINSTEIN SYNDROME; Rubinstein-Taybi syndrome 1; CREBBP-Related Rubinstein-Taybi Syndrome; BROAD THUMB-HALLUX SYNDROME; BROAD THUMBS AND GREAT TOES, CHARACTERISTIC FACIES, AND IMPAIRED INTELLECTUAL DEVELOPMENT. Identifiers: Orphanet 353277, Orphanet 783, MedGen C4551859, MONDO:0008393, OMIM 180849.

Submission:

3billion
Classification: Uncertain significance for Rubinstein-Taybi syndrome due to CREBBP mutations. Last evaluated: 2025-09-11. Review status: criteria provided, single submitter. Criteria: ACMG Guidelines, 2015. Collection method: clinical testing. Allele origin: germline. Affected: yes.
Comment: The variant is not observed in the gnomAD v4.1.0 dataset. Predicted Consequence/Location: Missense variant In silico tool predictions suggest damaging effect of the variant on gene or gene product [REVEL: 0.98 (>=0.6, sensitivity 0.68 and specificity 0.92); 3Cnet: 0.95 (> 0.75, sensitivity 0.96 and precision 0.92)]. Therefore, this variant is classified as VUS according to the recommendation of ACMG/AMP guideline.